The following is an entry in ClinVar:

NM_002439.5(MSH3):c.1151G>A (p.Gly384Asp)

Gene: MSH3 (mutS homolog 3; plus strand). Cytogenetic location: 5q14.1.
Variant type: single nucleotide variant.
Coding change: c.1151G>A on transcript NM_002439.5 (MANE Select); coding-DNA position 1151, G replaced by A.
Protein change: p.Gly384Asp; replaces glycine 384 with aspartic acid.
Molecular consequence: missense variant.
Genome position (GRCh38, 1-based): chr5:80,675,106, G>A. VCF-style: chr5-80675106-G-A. GRCh37 (hg19) VCF-style: chr5-79970925-G-A.
Other names: short protein forms G384D.
Identifiers: ClinVar variation 844465 (VCV000844465.11), dbSNP rs1023881607, ClinGen allele CA121295214.
Genomic context (GRCh38, chr5:80,675,106, plus strand): 5'-CTACCAGCTATCTTCTGTGCATCTCTGAAAATAAGGAAAATGTTAGGGACAAAAAAAAGG[G>A]CAACATTTTTATTGGCATTGTGGTAAGTACTTTGCAGGTGAGGAACAAATGTTAGATGTT-3'
Protein context (NP_002430.3, residues 374-394): NKENVRDKKK[Gly384Asp]NIFIGIVGVQ

ClinVar aggregate classification (germline): Uncertain significance. Review status: criteria provided, multiple submitters, no conflicts (2 of 4 stars). 3 submissions from 3 submitters: Uncertain significance (3). Last evaluated 2025-09-14.

Conditions:
Endometrial carcinoma. Also called: Endometrial carcinoma, somatic. Identifiers: MedGen C0476089, MONDO:0002447, OMIM 608089, HP:0012114.
Hereditary cancer-predisposing syndrome. Also called: Hereditary Cancer Syndrome; Hereditary neoplastic syndrome; Tumor predisposition; Neoplastic Syndromes, Hereditary. Identifiers: Orphanet 140162, MedGen C0027672, MeSH D009386, MONDO:0015356.

Allele frequency attached by ClinVar (database versions not stated): gnomAD exomes below 0.00001; gnomAD 0.00001; TOPMed 0.00001.
gnomAD v4.1: 3 of 1,613,610 alleles (0.00019%); highest among the groups gnomAD compares: African/African-American, 0.0013%; no homozygotes.

Submissions (3):

Labcorp Genetics (formerly Invitae), Labcorp
Classification: Uncertain significance. Last evaluated: 2025-09-14. Review status: criteria provided, single submitter. Criteria: Invitae Variant Classification Sherloc (09022015). Collection method: clinical testing. Allele origin: germline.
Comment: This sequence change replaces glycine, which is neutral and non-polar, with aspartic acid, which is acidic and polar, at codon 384 of the MSH3 protein (p.Gly384Asp). This variant is not present in population databases (gnomAD no frequency). This variant has not been reported in the literature in individuals affected with MSH3-related conditions. ClinVar contains an entry for this variant (Variation ID: 844465). An algorithm developed to predict the effect of missense changes on protein structure and function (PolyPhen-2) suggests that this variant is likely to be tolerated. RNA analysis performed to evaluate the impact of this missense change on mRNA splicing indicates it does not significantly alter splicing (internal data). In summary, the available evidence is currently insufficient to determine the role of this variant in disease. Therefore, it has been classified as a Variant of Uncertain Significance.

Ambry Genetics
Classification: Uncertain significance for Hereditary cancer-predisposing syndrome. Last evaluated: 2024-12-08. Review status: criteria provided, single submitter. Criteria: Ambry Variant Classification Scheme 2023. Collection method: clinical testing. Allele origin: germline.
Comment: The p.G384D variant (also known as c.1151G>A), located in coding exon 7 of the MSH3 gene, results from a G to A substitution at nucleotide position 1151. The glycine at codon 384 is replaced by aspartic acid, an amino acid with similar properties. This amino acid position is well conserved in available vertebrate species. In addition, the in silico prediction for this alteration is inconclusive. Since supporting evidence is limited at this time, the clinical significance of this alteration remains unclear.

Baylor Genetics
Classification: Uncertain significance for Endometrial carcinoma. Last evaluated: 2024-01-04. Review status: criteria provided, single submitter. Criteria: ACMG Guidelines, 2015. Collection method: clinical testing. Allele origin: unknown.